The following is an entry in ClinVar:

ClinVar aggregate classification (germline): Uncertain significance. Review status: criteria provided, multiple submitters, no conflicts (2 of 4 stars). 2 submissions from 2 submitters: Uncertain significance (2). Last evaluated 2025-11-09.

Conditions:
Familial adenomatous polyposis 1 (FAP1). Also called: POLYPOSIS, ADENOMATOUS INTESTINAL; FAMILIAL ADENOMATOUS POLYPOSIS 1, ATTENUATED. Identifiers: MedGen C2713442, MONDO:0021056, OMIM 175100. Disease mechanism: loss of function.
Hereditary cancer-predisposing syndrome. Also called: Neoplastic Syndromes, Hereditary; Hereditary Cancer Syndrome; Tumor predisposition; Hereditary neoplastic syndrome. Identifiers: Orphanet 140162, MedGen C0027672, MeSH D009386, MONDO:0015356.

Submissions (2):

Labcorp Genetics (formerly Invitae), Labcorp
Classification: Uncertain significance for Familial adenomatous polyposis 1. Last evaluated: 2025-11-09. Review status: criteria provided, single submitter. Criteria: Invitae Variant Classification Sherloc (09022015). Collection method: clinical testing. Allele origin: germline.
Comment: This sequence change replaces leucine, which is neutral and non-polar, with isoleucine, which is neutral and non-polar, at codon 2253 of the APC protein (p.Leu2253Ile). This variant is not present in population databases (gnomAD no frequency). This variant has not been reported in the literature in individuals affected with APC-related conditions. ClinVar contains an entry for this variant (Variation ID: 853046). Invitae Evidence Modeling of protein sequence and biophysical properties (such as structural, functional, and spatial information, amino acid conservation, physicochemical variation, residue mobility, and thermodynamic stability) indicates that this missense variant is not expected to disrupt APC protein function with a negative predictive value of 95%. In summary, the available evidence is currently insufficient to determine the role of this variant in disease. Therefore, it has been classified as a Variant of Uncertain Significance.

Ambry Genetics
Classification: Uncertain significance for Hereditary cancer-predisposing syndrome. Last evaluated: 2021-04-22. Review status: criteria provided, single submitter. Criteria: Ambry Variant Classification Scheme 2023. Collection method: clinical testing. Allele origin: germline.
Comment: The p.L2253I variant (also known as c.6757C>A), located in coding exon 15 of the APC gene, results from a C to A substitution at nucleotide position 6757. The leucine at codon 2253 is replaced by isoleucine, an amino acid with highly similar properties. This amino acid position is well conserved in available vertebrate species. In addition, in silico predictors for this gene do not accurately predict pathogenicity. Since supporting evidence is limited at this time, the clinical significance of this alteration remains unclear.

NM_000038.6(APC):c.6757C>A (p.Leu2253Ile)

Gene: APC (APC regulator of Wnt signaling pathway; plus strand). Cytogenetic location: 5q22.2.
Variant type: single nucleotide variant.
Coding change: c.6757C>A on transcript NM_000038.6 (MANE Select); coding-DNA position 6757, C replaced by A.
Protein change: p.Leu2253Ile; replaces leucine 2253 with isoleucine.
Molecular consequence: missense variant.
Genome position (GRCh38, 1-based): chr5:112,842,351, C>A. VCF-style: chr5-112842351-C-A. GRCh37 (hg19) VCF-style: chr5-112178048-C-A.
Other names: c.6757C>A, p.Leu2253Ile (NM_001127510.3, NM_001354895.2); c.6703C>A, p.Leu2235Ile (NM_001127511.3); c.6811C>A, p.Leu2271Ile (NM_001354896.2); c.6787C>A, p.Leu2263Ile (NM_001354897.2); c.6682C>A, p.Leu2228Ile (NM_001354898.2); c.6673C>A, p.Leu2225Ile (NM_001354899.2); c.6634C>A, p.Leu2212Ile (NM_001354900.2); c.6580C>A, p.Leu2194Ile (NM_001354901.2); and 5 more; short protein forms L2093I, L2212I, L2263I, L1970I, L2152I, L2194I, L2225I, L2235I.
Identifiers: ClinVar variation 853046 (VCV000853046.13), dbSNP rs786203252, ClinGen allele CA16036092.